The following is an entry in ClinVar:

ClinVar aggregate classification (germline): Uncertain significance (1 of 4 stars; one submission).

Conditions:
Autoimmune enteropathy and endocrinopathy - susceptibility to chronic infections syndrome. Also called: Immunodeficiency 31C, autosomal dominant; Immunodeficiency 31C. Identifiers: Orphanet 391487, MedGen C3279990, MONDO:0013599, OMIM 614162.
Mendelian susceptibility to mycobacterial diseases due to partial STAT1 deficiency. Also called: Immunodeficiency 31a; IMMUNODEFICIENCY 31A, MYCOBACTERIOSIS, AUTOSOMAL DOMINANT; STAT1 DEFICIENCY, AUTOSOMAL DOMINANT. Identifiers: Orphanet 319595, MedGen C4013950, MONDO:0013956, OMIM 614892.
Immunodeficiency 31B. Also called: STAT1 DEFICIENCY, AUTOSOMAL RECESSIVE; IMMUNODEFICIENCY 31B, MYCOBACTERIAL AND VIRAL INFECTIONS, AUTOSOMAL RECESSIVE. Identifiers: Orphanet 391311, MedGen C3151088, MONDO:0013427, OMIM 613796.

Submission:

Labcorp Genetics (formerly Invitae), Labcorp
Classification: Uncertain significance for Mendelian susceptibility to mycobacterial diseases due to partial STAT1 deficiency; Immunodeficiency 31B; Autoimmune enteropathy and endocrinopathy - susceptibility to chronic infections syndrome. Last evaluated: 2024-05-20. Review status: criteria provided, single submitter. Criteria: Invitae Variant Classification Sherloc (09022015). Collection method: clinical testing. Allele origin: germline.
Comment: This sequence change replaces asparagine, which is neutral and polar, with aspartic acid, which is acidic and polar, at codon 460 of the STAT1 protein (p.Asn460Asp). This variant is not present in population databases (gnomAD no frequency). This missense change has been observed in individual(s) with Mendelian susceptibility to mycobacterial disease (PMID: 31367980). ClinVar contains an entry for this variant (Variation ID: 2418896). An algorithm developed to predict the effect of missense changes on protein structure and function (PolyPhen-2) suggests that this variant is likely to be disruptive. This variant disrupts the p.Asn460 amino acid residue in STAT1. Other variant(s) that disrupt this residue have been observed in individuals with STAT1-related conditions (PMID: 35470942), which suggests that this may be a clinically significant amino acid residue. In summary, the available evidence is currently insufficient to determine the role of this variant in disease. Therefore, it has been classified as a Variant of Uncertain Significance.

Literature cited by the submitters: PubMed 31367980; PubMed 35470942.

NM_007315.4(STAT1):c.1378A>G (p.Asn460Asp)

Gene: STAT1 (signal transducer and activator of transcription 1; minus strand). Cytogenetic location: 2q32.2.
Variant type: single nucleotide variant.
Coding change: c.1378A>G on transcript NM_007315.4 (MANE Select); coding-DNA position 1378, A replaced by G.
Protein change: p.Asn460Asp; replaces asparagine 460 with aspartic acid.
Molecular consequence: missense variant.
Genome position (GRCh38, 1-based): chr2:190,983,710, T>C on the plus strand (A>G on the coding strand, the complement: STAT1 is on the minus strand). VCF-style: chr2-190983710-T-C. GRCh37 (hg19) VCF-style: chr2-191848436-T-C.
Other names: c.1318A>G, p.Asn440Asp (NM_001384880.1); c.1384A>G, p.Asn462Asp (NM_001384881.1, NM_001384884.1); c.1372A>G, p.Asn458Asp (NM_001384882.1); c.1279A>G, p.Asn427Asp (NM_001384883.1); c.1219A>G, p.Asn407Asp (NM_001384885.1); c.1378A>G, p.Asn460Asp (NM_001384886.1, NM_001384889.1, NM_139266.3); c.1285A>G, p.Asn429Asp (NM_001384887.1); c.1348A>G, p.Asn450Asp (NM_001384888.1); and 2 more; short protein forms N407D, N427D, N429D, N430D, N440D, N450D, N458D, N460D.
Identifiers: ClinVar variation 2418896 (VCV002418896.6), dbSNP rs2470449139, ClinGen allele CA349917326.
Genomic context (GRCh38, chr2:190,983,710, plus strand): 5'-CCGCCACCAGCATGTTGTACCAAAGGATGGAGGCCCAACCGCTCGGGAGCTGGCTGACGT[T>C]GGAGATCACCACAACGGGCAGAGAGGTCGTCTAAAGGATGACAAAGACCTTGAAATCATC-3'
Protein context (NP_009330.1, residues 450-470): TTSLPVVVIS[Asn460Asp]VSQLPSGWAS